The following is an entry in ClinVar:

ClinVar aggregate classification (germline): Uncertain significance (1 of 4 stars; one submission).

Submission:

GeneDx
Classification: Uncertain significance. Last evaluated: 2023-07-12. Review status: criteria provided, single submitter. Criteria: GeneDx Variant Classification Process June 2021. Collection method: clinical testing. Allele origin: germline. Affected: yes.
Comment: Not observed at significant frequency in large population cohorts (gnomAD); In silico analysis supports that this missense variant has a deleterious effect on protein structure/function; Has not been previously published as pathogenic or benign to our knowledge

NM_001368397.1(FRMPD4):c.1070A>G (p.Glu357Gly)

Gene: FRMPD4 (FERM and PDZ domain containing 4; plus strand). Cytogenetic location: Xp22.2.
Variant type: single nucleotide variant.
Coding change: c.1070A>G on transcript NM_001368397.1 (MANE Select); coding-DNA position 1070, A replaced by G.
Protein change: p.Glu357Gly; replaces glutamic acid 357 with glycine.
Molecular consequence: missense variant.
Genome position (GRCh38, 1-based): chrX:12,702,010, A>G. VCF-style: chrX-12702010-A-G. GRCh37 (hg19) VCF-style: chrX-12720129-A-G.
Other names: c.1181A>G, p.Glu394Gly (NM_001368395.3, NM_001368398.3); c.1076A>G, p.Glu359Gly (NM_001368396.3); c.1061A>G, p.Glu354Gly (NM_001368399.3); c.950A>G, p.Glu317Gly (NM_001368400.3); c.1046A>G, p.Glu349Gly (NM_001368401.1, NM_001368402.3); c.1070A>G, p.Glu357Gly (NM_014728.3); short protein forms E317G, E349G, E354G, E357G, E359G, E394G.
Identifiers: ClinVar variation 2572751 (VCV002572751.1), dbSNP rs2519801196, ClinGen allele CA412008604.